The following is an entry in ClinVar:

ClinVar aggregate classification (germline): Uncertain significance. Review status: criteria provided, multiple submitters, no conflicts (2 of 4 stars). 2 submissions from 2 submitters: Uncertain significance (2). Last evaluated 2023-06-30.

Allele frequency attached by ClinVar (database versions not stated): TOPMed below 0.00001; gnomAD 0.00001.
gnomAD v4.1: 1 of 1,599,752 alleles (0.000063%); highest among the groups gnomAD compares: Non-Finnish European, 0.000086%; no homozygotes.

Submissions (2):

Labcorp Genetics (formerly Invitae), Labcorp
Classification: Uncertain significance. Last evaluated: 2023-06-30. Review status: criteria provided, single submitter. Criteria: Invitae Variant Classification Sherloc (09022015). Collection method: clinical testing. Allele origin: germline.
Comment: This sequence change replaces methionine, which is neutral and non-polar, with valine, which is neutral and non-polar, at codon 77 of the KLHL7 protein (p.Met77Val). This variant has not been reported in the literature in individuals affected with KLHL7-related conditions. This variant is not present in population databases (gnomAD no frequency). In summary, the available evidence is currently insufficient to determine the role of this variant in disease. Therefore, it has been classified as a Variant of Uncertain Significance. An algorithm developed to predict the effect of missense changes on protein structure and function (PolyPhen-2) suggests that this variant is likely to be tolerated. ClinVar contains an entry for this variant (Variation ID: 1505284).

Blueprint Genetics
Classification: Uncertain significance. Last evaluated: 2021-12-03. Review status: criteria provided, single submitter. Criteria: ACMG Guidelines, 2015. Collection method: clinical testing. Allele origin: germline.

NM_001031710.3(KLHL7):c.229A>G (p.Met77Val)

Gene: KLHL7 (kelch like family member 7; plus strand). Cytogenetic location: 7p15.3.
Variant type: single nucleotide variant.
Coding change: c.229A>G on transcript NM_001031710.3 (MANE Select); coding-DNA position 229, A replaced by G.
Protein change: p.Met77Val; replaces methionine 77 with valine.
Molecular consequence: missense variant. On other transcripts: non-coding transcript variant (2).
Genome position (GRCh38, 1-based): chr7:23,124,693, A>G. VCF-style: chr7-23124693-A-G. GRCh37 (hg19) VCF-style: chr7-23164312-A-G.
Other names: c.229A>G, p.Met77Val (NM_001172428.2); c.85A>G, p.Met29Val (NM_018846.5); short protein forms M29V, M77V.
Identifiers: ClinVar variation 1505284 (VCV001505284.9), dbSNP rs1440469958, ClinGen allele CA366974794.